The following is an entry in ClinVar:

ClinVar aggregate classification (germline): Conflicting classifications of pathogenicity. Review status: criteria provided, conflicting classifications (1 of 4 stars). 4 submissions from 4 submitters: Likely pathogenic (1); Uncertain significance (3). Last evaluated 2024-05-15.

Conditions:
Sialuria. Also called: SIALURIA, FRENCH TYPE; Sialic Acid Storage Disease. Identifiers: Orphanet 3166, MedGen C0342853, MONDO:0010028, OMIM 269921.
GNE myopathy (NM). Also called: INCLUSION BODY MYOPATHY, HEREDITARY, AUTOSOMAL RECESSIVE; INCLUSION BODY MYOPATHY 2, AUTOSOMAL RECESSIVE; NONAKA DISTAL MYOPATHY; MYOPATHY, DISTAL, WITH OR WITHOUT RIMMED VACUOLES; IBM 2; Inclusion body myopathy autosomal recessive. Identifiers: Orphanet 602, MedGen C1853926, MONDO:0011603, OMIM 605820.

Allele frequency attached by ClinVar (database versions not stated): gnomAD exomes below 0.00001 and 0.00001; gnomAD 0.00001; TOPMed 0.00001; ExAC 0.00002; ESP Exome Variant Server 0.00008.

Submissions (4):

Natera, Inc.
Classification: Likely pathogenic for Nonaka myopathy. Last evaluated: 2024-05-15. Review status: criteria provided, single submitter. Criteria: Natera Variant Classification Schema (03/2026). Collection method: clinical testing. Allele origin: germline.
Comment: The c.859G>A variant in GNE is a missense variant predicted to cause substitution of alanine to threonine at amino acid 287. This variant is rare in the general population with a frequency below the threshold expected for the associated phenotype(s). This variant has been observed in one or more individuals affected with the associated recessive disease, as either homozygous or compound heterozygous with a second variant (PMID: 37188302, 35438352, 35138478, 30112071). Additionally, this variant has been observed to segregate in affected family members (PMID: 37188302). Computational prediction algorithms indicate this variant is likely to affect gene or protein function. Given the available evidence, this variant is classified as Likely Pathogenic.

Revvity Omics, Revvity
Classification: Uncertain significance. Last evaluated: 2024-01-18. Review status: criteria provided, single submitter. Criteria: ACMG Guidelines, 2015. Collection method: clinical testing. Allele origin: germline.

Labcorp Genetics (formerly Invitae), Labcorp
Classification: Uncertain significance for Sialuria; GNE myopathy. Last evaluated: 2023-10-13. Review status: criteria provided, single submitter. Criteria: Invitae Variant Classification Sherloc (09022015). Collection method: clinical testing. Allele origin: germline.
Comment: This sequence change replaces alanine, which is neutral and non-polar, with threonine, which is neutral and polar, at codon 287 of the GNE protein (p.Ala287Thr). This variant is present in population databases (rs375740268, gnomAD 0.002%). This missense change has been observed in individuals with distal myopathy (PMID: 30112071, 35438352). ClinVar contains an entry for this variant (Variation ID: 1308372). Advanced modeling of protein sequence and biophysical properties (such as structural, functional, and spatial information, amino acid conservation, physicochemical variation, residue mobility, and thermodynamic stability) has been performed at Invitae for this missense variant, however the output from this modeling did not meet the statistical confidence thresholds required to predict the impact of this variant on GNE protein function. This variant disrupts the p.Ala287 amino acid residue in GNE. Other variant(s) that disrupt this residue have been observed in individuals with GNE-related conditions (PMID: 27858732), which suggests that this may be a clinically significant amino acid residue. In summary, the available evidence is currently insufficient to determine the role of this variant in disease. Therefore, it has been classified as a Variant of Uncertain Significance.

GeneDx
Classification: Uncertain significance. Last evaluated: 2019-11-11. Review status: criteria provided, single submitter. Criteria: GeneDx Variant Classification Process June 2021. Collection method: clinical testing. Allele origin: germline. Affected: yes.
Comment: The majority of missense variants in this gene are considered pathogenic; In silico analysis, which includes protein predictors and evolutionary conservation, supports that this variant does not alter protein structure/function; This variant is associated with the following publications: (PMID: 30112071)

Literature cited by the submitters: PubMed 37188302 (cited by Natera, Inc.); PubMed 35438352 (cited by Natera, Inc. and Labcorp Genetics (formerly Invitae), Labcorp); PubMed 35138478 (cited by Natera, Inc.); PubMed 30112071 (cited by Natera, Inc. and Labcorp Genetics (formerly Invitae), Labcorp); PubMed 27858732 (cited by Labcorp Genetics (formerly Invitae), Labcorp).

NM_005476.7(GNE):c.766G>A (p.Ala256Thr)

Gene: GNE (glucosamine (UDP-N-acetyl)-2-epimerase/N-acetylmannosamine kinase; minus strand). Cytogenetic location: 9p13.3.
Variant type: single nucleotide variant.
Coding change: c.766G>A on transcript NM_005476.7 (MANE Select); coding-DNA position 766, G replaced by A.
Protein change: p.Ala256Thr; replaces alanine 256 with threonine.
Molecular consequence: missense variant. On other transcripts: intron variant (2).
Genome position (GRCh38, 1-based): chr9:36,236,835, C>T on the plus strand (G>A on the coding strand, the complement: GNE is on the minus strand). VCF-style: chr9-36236835-C-T. GRCh37 (hg19) VCF-style: chr9-36236832-C-T.
Other names: c.859G>A, p.Ala287Thr (NM_001128227.3); c.766G>A, p.Ala256Thr (NM_001190383.3); c.589G>A, p.Ala197Thr (NM_001190388.2, NM_001374798.1); c.440-2703G>A (NM_001190384.3); c.617-2703G>A (NM_001374797.1); short protein forms A197T, A256T, A287T.
Identifiers: ClinVar variation 1308372 (VCV001308372.8), dbSNP rs375740268, ClinGen allele CA5056668.